The following is an entry in ClinVar:

NM_024529.5(CDC73):c.1470G>C (p.Gln490His)

Gene: CDC73 (cell division cycle 73; plus strand). Cytogenetic location: 1q31.2.
Variant type: single nucleotide variant.
Coding change: c.1470G>C on transcript NM_024529.5 (MANE Select); coding-DNA position 1470, G replaced by C.
Protein change: p.Gln490His; replaces glutamine 490 with histidine.
Molecular consequence: missense variant.
Genome position (GRCh38, 1-based): chr1:193,249,782, G>C. VCF-style: chr1-193249782-G-C. GRCh37 (hg19) VCF-style: chr1-193218912-G-C.
Other names: short protein forms Q490H.
Identifiers: ClinVar variation 2905961 (VCV002905961.4), dbSNP rs2527523787, ClinGen allele CA344078450.

ClinVar aggregate classification (germline): Uncertain significance. Review status: criteria provided, multiple submitters, no conflicts (2 of 4 stars). 2 submissions from 2 submitters: Uncertain significance (2). Last evaluated 2024-06-11.

Conditions:
Hereditary cancer-predisposing syndrome. Also called: Hereditary Cancer Syndrome; Hereditary neoplastic syndrome; Tumor predisposition; Neoplastic Syndromes, Hereditary. Identifiers: Orphanet 140162, MedGen C0027672, MeSH D009386, MONDO:0015356.
Parathyroid carcinoma (PRTC). Also called: Parathyroid gland carcinoma; CDC73-Related Parathyroid Carcinoma. Identifiers: Orphanet 143, MedGen C0687150, MONDO:0012004, OMIM 608266, HP:0006780.

Allele frequency attached by ClinVar (database versions not stated): gnomAD exomes below 0.00001.
gnomAD v4.1: 1 of 1,610,688 alleles (0.000062%); highest among the groups gnomAD compares: African/African-American, 0.0013%; no homozygotes.

Submissions (2):

Ambry Genetics
Classification: Uncertain significance for Hereditary cancer-predisposing syndrome. Last evaluated: 2024-06-11. Review status: criteria provided, single submitter. Criteria: Ambry Variant Classification Scheme 2023. Collection method: clinical testing. Allele origin: germline.
Comment: The p.Q490H variant (also known as c.1470G>C), located in coding exon 16 of the CDC73 gene, results from a G to C substitution at nucleotide position 1470. The glutamine at codon 490 is replaced by histidine, an amino acid with highly similar properties. This amino acid position is conserved. In addition, this alteration is predicted to be tolerated by in silico analysis. Based on the available evidence, the clinical significance of this variant remains unclear.

Labcorp Genetics (formerly Invitae), Labcorp
Classification: Uncertain significance for Parathyroid carcinoma. Last evaluated: 2023-06-07. Review status: criteria provided, single submitter. Criteria: Invitae Variant Classification Sherloc (09022015). Collection method: clinical testing. Allele origin: germline.
Comment: In summary, the available evidence is currently insufficient to determine the role of this variant in disease. Therefore, it has been classified as a Variant of Uncertain Significance. Advanced modeling of protein sequence and biophysical properties (such as structural, functional, and spatial information, amino acid conservation, physicochemical variation, residue mobility, and thermodynamic stability) performed at Invitae indicates that this missense variant is not expected to disrupt CDC73 protein function. This variant has not been reported in the literature in individuals affected with CDC73-related conditions. This variant is not present in population databases (gnomAD no frequency). This sequence change replaces glutamine, which is neutral and polar, with histidine, which is basic and polar, at codon 490 of the CDC73 protein (p.Gln490His).